The following is an entry in ClinVar:

ClinVar aggregate classification (germline): Benign/Likely benign. Review status: criteria provided, multiple submitters, no conflicts (2 of 4 stars). 4 submissions from 4 submitters: Benign (1); Likely benign (3). Last evaluated 2024-07-08.

Conditions:
Hereditary cancer-predisposing syndrome. Also called: Neoplastic Syndromes, Hereditary; Tumor predisposition; Hereditary Cancer Syndrome; Hereditary neoplastic syndrome. Identifiers: Orphanet 140162, MedGen C0027672, MeSH D009386, MONDO:0015356.
Familial adenomatous polyposis 1 (FAP1). Also called: FAMILIAL ADENOMATOUS POLYPOSIS 1, ATTENUATED; POLYPOSIS, ADENOMATOUS INTESTINAL. Identifiers: MedGen C2713442, MONDO:0021056, OMIM 175100. Disease mechanism: loss of function.

Allele frequency attached by ClinVar (database versions not stated): TOPMed 0.00001.
gnomAD v4.1: 3 of 1,613,954 alleles (0.00019%); highest among the groups gnomAD compares: South Asian, 0.0011%; no homozygotes.

Submissions (4):

Labcorp Genetics (formerly Invitae), Labcorp
Classification: Likely benign for Familial adenomatous polyposis 1. Last evaluated: 2024-07-08. Review status: criteria provided, single submitter. Criteria: Invitae Variant Classification Sherloc (09022015). Collection method: clinical testing. Allele origin: germline.

Myriad Genetics, Inc.
Classification: Benign for Familial adenomatous polyposis 1. Last evaluated: 2024-03-26. Review status: criteria provided, single submitter. Criteria: Myriad Autosomal Dominant, Autosomal Recessive and X-Linked Classification Criteria (2023). Collection method: clinical testing. Allele origin: unknown.
Comment: This variant is considered benign. This variant is a silent/synonymous amino acid change and it is not expected to impact splicing.

Color Diagnostics, LLC DBA Color Health
Classification: Likely benign for Hereditary cancer-predisposing syndrome. Last evaluated: 2019-07-01. Review status: criteria provided, single submitter. Criteria: ACMG Guidelines, 2015. Collection method: clinical testing. Allele origin: germline.

Ambry Genetics
Classification: Likely benign for Hereditary cancer-predisposing syndrome. Last evaluated: 2015-06-19. Review status: criteria provided, single submitter. Criteria: Ambry Variant Classification Scheme 2023. Collection method: clinical testing. Allele origin: germline.

NM_000038.6(APC):c.4440G>A (p.Gln1480=)

Gene: APC (APC regulator of Wnt signaling pathway; plus strand). Cytogenetic location: 5q22.2.
Variant type: single nucleotide variant.
Coding change: c.4440G>A on transcript NM_000038.6 (MANE Select); coding-DNA position 4440, G replaced by A.
Protein change: p.Gln1480=; no amino-acid change (glutamine 1480 retained).
Molecular consequence: synonymous variant.
Genome position (GRCh38, 1-based): chr5:112,840,034, G>A. VCF-style: chr5-112840034-G-A. GRCh37 (hg19) VCF-style: chr5-112175731-G-A.
Other names: c.4440G>A, p.Gln1480= (NM_001127510.3, NM_001354895.2); c.4386G>A, p.Gln1462= (NM_001127511.3); c.4494G>A, p.Gln1498= (NM_001354896.2); c.4470G>A, p.Gln1490= (NM_001354897.2); c.4365G>A, p.Gln1455= (NM_001354898.2); c.4356G>A, p.Gln1452= (NM_001354899.2); c.4317G>A, p.Gln1439= (NM_001354900.2); c.4263G>A, p.Gln1421= (NM_001354901.2); and 5 more.
Identifiers: ClinVar variation 232622 (VCV000232622.19), dbSNP rs876659881, ClinGen allele CA10578375.